The following is an entry in ClinVar:

NM_007373.4(SHOC2):c.7A>G (p.Ser3Gly)

Gene: SHOC2 (SHOC2 leucine rich repeat scaffold protein; plus strand). Cytogenetic location: 10q25.2.
Variant type: single nucleotide variant.
Coding change: c.7A>G on transcript NM_007373.4 (MANE Select); coding-DNA position 7, A replaced by G.
Protein change: p.Ser3Gly; replaces serine 3 with glycine.
Molecular consequence: missense variant.
Genome position (GRCh38, 1-based): chr10:110,964,365, A>G. VCF-style: chr10-110964365-A-G. GRCh37 (hg19) VCF-style: chr10-112724123-A-G.
Other names: c.7A>G, p.Ser3Gly (NM_001269039.3, NM_001324336.2, NM_001324337.2); short protein forms S3G.
Identifiers: ClinVar variation 280656 (VCV000280656.2), dbSNP rs749032903, ClinGen allele CA5689544.
Genomic context (GRCh38, chr10:110,964,365, plus strand): 5'-AATTACTGGAAAATAAAAGGAGTTCATGTAGTTTTTGTCCAGGCTTGAGTCACCATGAGT[A>G]GTAGTTTAGGAAAAGAAAAAGACTCTAAAGAAAAAGATCCCAAAGTACCATCAGCCAAGG-3'
Protein context (NP_031399.2, residues 1-13): MS[Ser3Gly]SLGKEKDSKE

ClinVar aggregate classification (germline): Uncertain significance (1 of 4 stars; one submission).

Allele frequency attached by ClinVar (database versions not stated): ExAC 0.00001; gnomAD exomes below 0.00001.

Submission:

GeneDx
Classification: Uncertain significance. Last evaluated: 2016-06-08. Review status: criteria provided, single submitter. Criteria: GeneDx Variant Classification (06012015). Collection method: clinical testing. Allele origin: germline. Affected: yes.
Comment: The S3G variant in the SHOC2 gene has not been reported previously as a pathogenic variant, nor as a benign variant, to our knowledge. The S3G variant was not observed in approximately 6500 individuals of European and African American ancestry in the NHLBI Exome Sequencing Project, indicating it is not a common benign variant in these populations. The S3G variant is a non-conservative amino acid substitution, which is likely to impact secondary protein structure as these residues differ in polarity, charge, size and/or other properties. This substitution occurs at a position where amino acids with similar properties to Serine are tolerated across species. However, in silico analysis is inconsistent in its predictions as to whether or not the variant is damaging to the protein structure/function. The S2G neighboring missense variant has been reported in the Human Gene Mutation Database as a recurrent pathogenic variant in association with Noonan-like syndrome with loose anagen hair (Stenson et al., 2014), supporting the functional importance of this region of the protein. We interpret S3G as a variant of uncertain significance.